The following is an entry in ClinVar:

NM_006939.4(SOS2):c.3263C>T (p.Thr1088Ile)

Gene: SOS2 (SOS Ras/Rho guanine nucleotide exchange factor 2; minus strand). Cytogenetic location: 14q21.3.
Variant type: single nucleotide variant.
Coding change: c.3263C>T on transcript NM_006939.4 (MANE Select); coding-DNA position 3263, C replaced by T.
Protein change: p.Thr1088Ile; replaces threonine 1088 with isoleucine.
Molecular consequence: missense variant.
Genome position (GRCh38, 1-based): chr14:50,130,575, G>A on the plus strand (C>T on the coding strand, the complement: SOS2 is on the minus strand). VCF-style: chr14-50130575-G-A. GRCh37 (hg19) VCF-style: chr14-50597293-G-A.
Other names: c.3164C>T, p.Thr1055Ile (NM_001411020.1); short protein forms T1055I, T1088I.
Identifiers: ClinVar variation 2051466 (VCV002051466.6), dbSNP rs769868981, ClinGen allele CA7176850.

ClinVar aggregate classification (germline): Conflicting classifications of pathogenicity. Review status: criteria provided, conflicting classifications (1 of 4 stars). 2 submissions from 2 submitters: Uncertain significance (1); Likely benign (1). Last evaluated 2025-10-29.

Conditions:
Noonan syndrome 9 (NS9). Identifiers: Orphanet 648, MedGen C4225282, MONDO:0014691, OMIM 616559.
Cardiovascular phenotype. Identifiers: MedGen CN230736.

Allele frequency attached by ClinVar (database versions not stated): ExAC 0.00001; gnomAD 0.00002; TOPMed 0.00002.
gnomAD v4.1: 3 of 1,613,814 alleles (0.00019%); highest among the groups gnomAD compares: Admixed American, 0.0017%; no homozygotes.

Submissions (2):

Labcorp Genetics (formerly Invitae), Labcorp
Classification: Likely benign for Noonan syndrome 9. Last evaluated: 2025-10-29. Review status: criteria provided, single submitter. Criteria: Invitae Variant Classification Sherloc (09022015). Collection method: clinical testing. Allele origin: germline.

Ambry Genetics
Classification: Uncertain significance for Cardiovascular phenotype. Last evaluated: 2023-01-14. Review status: criteria provided, single submitter. Criteria: Ambry Variant Classification Scheme 2023. Collection method: clinical testing. Allele origin: germline.
Comment: The p.T1088I variant (also known as c.3263C>T), located in coding exon 20 of the SOS2 gene, results from a C to T substitution at nucleotide position 3263. The threonine at codon 1088 is replaced by isoleucine, an amino acid with similar properties. This amino acid position is conserved. In addition, the in silico prediction for this alteration is inconclusive. Since supporting evidence is limited at this time, the clinical significance of this alteration remains unclear.